The following is an entry in ClinVar:

NM_003680.4(YARS1):c.1328C>A (p.Ala443Asp)

Gene: YARS1 (tyrosyl-tRNA synthetase 1; minus strand). Cytogenetic location: 1p35.1.
Variant type: single nucleotide variant.
Coding change: c.1328C>A on transcript NM_003680.4 (MANE Select); coding-DNA position 1328, C replaced by A.
Protein change: p.Ala443Asp; replaces alanine 443 with aspartic acid.
Molecular consequence: missense variant.
Genome position (GRCh38, 1-based): chr1:32,780,091, G>T on the plus strand (C>A on the coding strand, the complement: YARS1 is on the minus strand). VCF-style: chr1-32780091-G-T. GRCh37 (hg19) VCF-style: chr1-33245692-G-T.
Other names: short protein forms A443D.
Identifiers: ClinVar variation 2106597 (VCV002106597.4), dbSNP rs1391695523, ClinGen allele CA339681119.
Genomic context (GRCh38, chr1:32,780,091, plus strand): 5'-CCTACTCTTCCTGGCCTCCCCAGGTCCTGTGCCCCACTCCAAGTCCTCACTCACATAGAA[G>T]CACACAGAAGCATGCCTTGGGACTCGACTCCTCTCATCTTCTGGGGTTTCAGGTTGCACA-3'
Protein context (NP_003671.1, residues 433-453): GVESQGMLLC[Ala443Asp]SIEGINRQVE

ClinVar aggregate classification (germline): Uncertain significance (1 of 4 stars; one submission).

Conditions:
Charcot-Marie-Tooth disease dominant intermediate C (CMTDIC). Also called: CHARCOT-MARIE-TOOTH NEUROPATHY, DOMINANT INTERMEDIATE C. Identifiers: Orphanet 100045, MedGen C1842237, MONDO:0012012, OMIM 608323.

Submission:

Labcorp Genetics (formerly Invitae), Labcorp
Classification: Uncertain significance for Charcot-Marie-Tooth disease dominant intermediate C. Last evaluated: 2023-08-04. Review status: criteria provided, single submitter. Criteria: Invitae Variant Classification Sherloc (09022015). Collection method: clinical testing. Allele origin: germline.
Comment: Advanced modeling of protein sequence and biophysical properties (such as structural, functional, and spatial information, amino acid conservation, physicochemical variation, residue mobility, and thermodynamic stability) performed at Invitae indicates that this missense variant is expected to disrupt YARS protein function. In summary, the available evidence is currently insufficient to determine the role of this variant in disease. Therefore, it has been classified as a Variant of Uncertain Significance. ClinVar contains an entry for this variant (Variation ID: 2106597). This variant has not been reported in the literature in individuals affected with YARS-related conditions. This variant is not present in population databases (gnomAD no frequency). This sequence change replaces alanine, which is neutral and non-polar, with aspartic acid, which is acidic and polar, at codon 443 of the YARS protein (p.Ala443Asp).